The following is an entry in ClinVar:

ClinVar aggregate classification (germline): Uncertain significance (1 of 4 stars; one submission).

Conditions:
Mowat-Wilson syndrome (MOWS). Also called: Classic Mowat-Wilson Syndrome. Identifiers: Orphanet 2152, MedGen C1856113, MONDO:0009341, OMIM 235730.

Submission:

Labcorp Genetics (formerly Invitae), Labcorp
Classification: Uncertain significance for Mowat-Wilson syndrome. Last evaluated: 2025-09-03. Review status: criteria provided, single submitter. Criteria: Invitae Variant Classification Sherloc (09022015). Collection method: clinical testing. Allele origin: germline.
Comment: This sequence change replaces aspartic acid, which is acidic and polar, with asparagine, which is neutral and polar, at codon 672 of the ZEB2 protein (p.Asp672Asn). This variant is present in population databases (no rsID available, gnomAD 0.01%). This variant has not been reported in the literature in individuals affected with ZEB2-related conditions. Invitae Evidence Modeling of protein sequence and biophysical properties (such as structural, functional, and spatial information, amino acid conservation, physicochemical variation, residue mobility, and thermodynamic stability) indicates that this missense variant is not expected to disrupt ZEB2 protein function with a negative predictive value of 80%. In summary, the available evidence is currently insufficient to determine the role of this variant in disease. Therefore, it has been classified as a Variant of Uncertain Significance.

NM_014795.4(ZEB2):c.2014G>A (p.Asp672Asn)

Gene: ZEB2 (zinc finger E-box binding homeobox 2; minus strand). Cytogenetic location: 2q22.3.
Variant type: single nucleotide variant.
Coding change: c.2014G>A on transcript NM_014795.4 (MANE Select); coding-DNA position 2014, G replaced by A.
Protein change: p.Asp672Asn; replaces aspartic acid 672 with asparagine.
Molecular consequence: missense variant.
Genome position (GRCh38, 1-based): chr2:144,399,173, C>T on the plus strand (G>A on the coding strand, the complement: ZEB2 is on the minus strand). VCF-style: chr2-144399173-C-T. GRCh37 (hg19) VCF-style: chr2-145156740-C-T.
Other names: c.1942G>A, p.Asp648Asn (NM_001171653.2); short protein forms D672N, D648N.
Identifiers: ClinVar variation 4707254 (VCV004707254.1).
Genomic context (GRCh38, chr2:144,399,173, plus strand): 5'-ACCATTCCTTCACAAATTCCTGAGGAAGGCCCACAGCAATGGAAATTTTCAGCAGTTCAT[C>T]GGAGTTGGGCTCCATGTTCATAGCATAGTATGCTTTGAGTACAGACATGTGGTCCTTGTA-3'
Protein context (NP_055610.1, residues 662-682): YYAMNMEPNS[Asp672Asn]ELLKISIAVG